The following is an entry in ClinVar:

GRCh37/hg19 6p21.1(chr6:45284656-46157024)x3

Genes: CLIC5 (chloride intracellular channel 5; minus strand), ENPP4 (ectonucleotide pyrophosphatase/phosphodiesterase 4; plus strand), ENPP5 (ectonucleotide pyrophosphatase/phosphodiesterase family member 5; minus strand), RUNX2 (RUNX family transcription factor 2; plus strand), SUPT3H (SPT3 homolog, SAGA and STAGA complex component; minus strand). Cytogenetic location: 6p21.1.
Variant type: copy number gain.
Change: copy number 3 (three copies instead of two) of chr6:45,284,656-46,157,024 (872.4 kb, GRCh37 coordinates, 1-based), cytogenetic band 6p21.1.
Identifiers: ClinVar variation 1341311 (VCV001341311.1).

ClinVar aggregate classification (germline): Likely pathogenic (0 of 4 stars; one submission).

Submission:

Quest Diagnostics Nichols Institute San Juan Capistrano
Classification: Likely pathogenic. Last evaluated: 2020-08-07. Review status: no assertion criteria provided. Collection method: clinical testing. Allele origin: germline.
Comment: This gain involves 5 protein coding genes including the entire RUNX2 gene. Haploinsufficiency of RUNX2 is associated with autosomal dominant Cleidocranial dysplasia (OMIM 119600), which is characterized by persistently open skull sutures with bulging calvaria, hypoplasia or aplasia of the clavicles permitting abnormal facility in opposing the shoulders, wide pubic symphysis, short middle phalanx of the fifth fingers, dental anomalies, and often vertebral malformation. Whereas heterozygous intragenic duplications resulting in gain of function of the RUNX2 gene cause autosomal dominant Metaphyseal dysplasia with maxillary hypoplasia with or without brachydactyly (OMIM 156510). Additionally, three overlapping duplications (285 kb, 1.1 Mb and 1.24 Mb) involving the entire RUNX2 gene have been reported to segregate in affected patients with craniosynostosis and oligodontia from different families. Variable expression and reduced penetrance have been notice. Increase dosage of RUNX2 gene has been proposed to be causative for such phenotype, however, functional studies were not performed (Molin et al., Am J Med Genet A. 2015 Jun;167(6):1386-90. PMID: 25899668; Merametdjian et al., Eur J Med Genet. 2019 Feb;62(2):85-89. PMID: 29852250; Greives et al., J Craniofac Surg. 2013 Jan;24(1):126-9. PMID: 23348268; Mefford et al., Am J Med Genet A. 2010 Sep;152A(9):2203-10. PMID: 20683987). Further, copy number gains of this locus have not been seen in the general population in the Database of Genomic Variants (DGV). Thus, this copy number gain is interpreted as likely pathogenic.